The following is an entry in ClinVar:

ClinVar aggregate classification (germline): Benign/Likely benign. Review status: criteria provided, multiple submitters, no conflicts (2 of 4 stars). 4 submissions from 4 submitters: Benign (2); Likely benign (2). Last evaluated 2026-02-03.

Allele frequency attached by ClinVar (database versions not stated): 1000 Genomes Project 0.00619; gnomAD 0.00651 and 0.00707; 1000 Genomes Project 30x 0.00671; TOPMed 0.00739; ESP Exome Variant Server 0.00872.
gnomAD v4.1: 1,997 of 1,605,796 alleles (0.12%); highest among the groups gnomAD compares: African/African-American, 2.2%; 14 homozygotes.

Submissions (4):

Labcorp Genetics (formerly Invitae), Labcorp
Classification: Benign. Last evaluated: 2026-02-03. Review status: criteria provided, single submitter. Criteria: Invitae Variant Classification Sherloc (09022015). Collection method: clinical testing. Allele origin: germline.

Genetic Services Laboratory, University of Chicago
Classification: Benign. Last evaluated: 2019-07-22. Review status: criteria provided, single submitter. Criteria: ACMG Guidelines, 2015. Collection method: clinical testing. Allele origin: germline. Affected: no.

Center for Pediatric Genomic Medicine, Children's Mercy Hospital and Clinics
Classification: Likely benign. Last evaluated: 2015-09-25. Review status: criteria provided, single submitter. Criteria: ACMG Guidelines, 2015. Collection method: clinical testing. Allele origin: germline.
ClinVar note: Converted during submission from Likely Benign to Likely benign.

Breakthrough Genomics
Classification: Likely benign. Review status: criteria provided, single submitter. Criteria: ACMG Guidelines, 2015. Collection method: not provided. Allele origin: germline. Inheritance: Autosomal recessive inheritance. Affected: yes.

NM_001379500.1(COL18A1):c.3673G>A (p.Val1225Met)

Genes: SLC19A1 (solute carrier family 19 member 1; minus strand), COL18A1 (collagen type XVIII alpha 1 chain; plus strand). Cytogenetic location: 21q22.3.
Variant type: single nucleotide variant.
Coding change: c.3673G>A on transcript NM_001379500.1 (MANE Select); coding-DNA position 3673, G replaced by A.
Protein change: p.Val1225Met; replaces valine 1225 with methionine.
Molecular consequence: missense variant.
Genome position (GRCh38, 1-based): chr21:45,510,241, G>A. VCF-style: chr21-45510241-G-A. GRCh37 (hg19) VCF-style: chr21-46930155-G-A.
Other names: NM_130445.3:c.3664G>A; c.4909G>A, p.Val1637Met (NM_130444.3); c.4204G>A, p.Val1402Met (NM_030582.4); short protein forms V1402M, V1637M, V1225M.
Identifiers: ClinVar variation 235752 (VCV000235752.19), dbSNP rs77326997, ClinGen allele CA10068002.
Genomic context (GRCh38, chr21:45,510,241, plus strand): 5'-TTCCTGTCCTCGCGCCTGCAGGACCTGTACAGCATCGTGCGCCGTGCCGACCGCGCAGCC[G>A]TGCCCATCGTCAACCTCAAGGTGGGTCAGTCCAGTCCTGAGGGCGCGGGCTCCTCGGCCC-3'
Protein context (NP_001366429.1, residues 1215-1235): SIVRRADRAA[Val1225Met]PIVNLKDELL